The following is an entry in ClinVar:

NM_002529.4(NTRK1):c.301A>G (p.Ser101Gly)

Gene: NTRK1 (neurotrophic receptor tyrosine kinase 1; plus strand). Cytogenetic location: 1q23.1.
Variant type: single nucleotide variant.
Coding change: c.301A>G on transcript NM_002529.4 (MANE Select); coding-DNA position 301, A replaced by G.
Protein change: p.Ser101Gly; replaces serine 101 with glycine.
Molecular consequence: missense variant.
Genome position (GRCh38, 1-based): chr1:156,864,741, A>G. VCF-style: chr1-156864741-A-G. GRCh37 (hg19) VCF-style: chr1-156834533-A-G.
Other names: c.211A>G, p.Ser71Gly (NM_001007792.1); c.301A>G, p.Ser101Gly (NM_001012331.2); short protein forms S71G, S101G.
Identifiers: ClinVar variation 839813 (VCV000839813.8), dbSNP rs778582725, ClinGen allele CA1168905.

ClinVar aggregate classification (germline): Uncertain significance. Review status: criteria provided, single submitter (1 of 4 stars). 2 submissions from 2 submitters: Uncertain significance (1). 1 of the submissions does not count toward it. Last evaluated 2022-08-31.

Conditions:
Hereditary insensitivity to pain with anhidrosis (CIPA). Also called: hereditary sensory and autonomic neuropathy type 4; FAMILIAL DYSAUTONOMIA, TYPE II; INSENSITIVITY TO PAIN, CONGENITAL, WITH ANHIDROSIS; NEUROPATHY, CONGENITAL SENSORY, WITH ANHIDROSIS; HSAN Type IV; NTRK1 Congenital Insensitivity to Pain with Anhidrosis. Identifiers: Orphanet 642, MedGen C0020074, MONDO:0009746, OMIM 256800.

Allele frequency attached by ClinVar (database versions not stated): gnomAD exomes below 0.00001; ExAC 0.00001.
gnomAD v4.1: 2 of 1,614,000 alleles (0.00012%); highest among the groups gnomAD compares: Non-Finnish European, 0.00017%; no homozygotes.

Submissions (2):

Labcorp Genetics (formerly Invitae), Labcorp
Classification: Uncertain significance for Hereditary insensitivity to pain with anhidrosis. Last evaluated: 2022-08-31. Review status: criteria provided, single submitter. Criteria: Invitae Variant Classification Sherloc (09022015). Collection method: clinical testing. Allele origin: germline.
Comment: This sequence change replaces serine, which is neutral and polar, with glycine, which is neutral and non-polar, at codon 101 of the NTRK1 protein (p.Ser101Gly). This variant is not present in population databases (gnomAD no frequency). This variant has not been reported in the literature in individuals affected with NTRK1-related conditions. ClinVar contains an entry for this variant (Variation ID: 839813). Advanced modeling of protein sequence and biophysical properties (such as structural, functional, and spatial information, amino acid conservation, physicochemical variation, residue mobility, and thermodynamic stability) performed at Invitae indicates that this missense variant is not expected to disrupt NTRK1 protein function. Algorithms developed to predict the effect of sequence changes on RNA splicing suggest that this variant may disrupt the consensus splice site. In summary, the available evidence is currently insufficient to determine the role of this variant in disease. Therefore, it has been classified as a Variant of Uncertain Significance.

Natera, Inc.
Classification: Uncertain significance for Hereditary insensitivity to pain with anhidrosis. Last evaluated: 2021-08-02. Review status: no assertion criteria provided. Collection method: clinical testing. Allele origin: germline. Not counted in ClinVar's aggregate classification.